The following is an entry in ClinVar:

ClinVar aggregate classification (germline): Uncertain significance. Review status: criteria provided, multiple submitters, no conflicts (2 of 4 stars). 2 submissions from 2 submitters: Uncertain significance (2). Last evaluated 2022-01-13.

Conditions:
Steel syndrome (STLS). Identifiers: Orphanet 438117, MedGen C3554594, MONDO:0014061, OMIM 615155.

Allele frequency attached by ClinVar (database versions not stated): ExAC 0.00001; gnomAD 0.00002; TOPMed 0.00002.
gnomAD v4.1: 21 of 1,610,436 alleles (0.0013%); highest among the groups gnomAD compares: Admixed American, 0.0033%; no homozygotes.

Submissions (2):

Labcorp Genetics (formerly Invitae), Labcorp
Classification: Uncertain significance. Last evaluated: 2022-01-13. Review status: criteria provided, single submitter. Criteria: Invitae Variant Classification Sherloc (09022015). Collection method: clinical testing. Allele origin: germline.
Comment: This sequence change replaces arginine, which is basic and polar, with cysteine, which is neutral and slightly polar, at codon 1357 of the COL27A1 protein (p.Arg1357Cys). This variant is present in population databases (rs745478632, gnomAD 0.01%). This variant has not been reported in the literature in individuals affected with COL27A1-related conditions. Advanced modeling of protein sequence and biophysical properties (such as structural, functional, and spatial information, amino acid conservation, physicochemical variation, residue mobility, and thermodynamic stability) performed at Invitae indicates that this missense variant is not expected to disrupt COL27A1 protein function. In summary, the available evidence is currently insufficient to determine the role of this variant in disease. Therefore, it has been classified as a Variant of Uncertain Significance.

Juno Genomics, Hangzhou Juno Genomics, Inc
Classification: Uncertain significance for Steel syndrome. Review status: criteria provided, single submitter. Criteria: ACMG Guidelines, 2015. Collection method: clinical testing. Allele origin: germline.
Comment: Absent from controls (or at extremely low frequency if recessive) in Genome Aggregation Database.;Multiple lines of computational evidence support a deleterious effect on the gene or gene product.

NM_032888.4(COL27A1):c.4069C>T (p.Arg1357Cys)

Genes: COL27A1 (collagen type XXVII alpha 1 chain; plus strand), LOC126860736 (MED14-independent group 3 enhancer GRCh37_chr9:117050487-117051686; plus strand). Cytogenetic location: 9q32.
Variant type: single nucleotide variant.
Coding change: c.4069C>T on transcript NM_032888.4 (MANE Select); coding-DNA position 4069, C replaced by T.
Protein change: p.Arg1357Cys; replaces arginine 1357 with cysteine.
Molecular consequence: missense variant.
Genome position (GRCh38, 1-based): chr9:114,288,726, C>T. VCF-style: chr9-114288726-C-T. GRCh37 (hg19) VCF-style: chr9-117051006-C-T.
Other names: short protein forms R1357C.
Identifiers: ClinVar variation 2195126 (VCV002195126.3), dbSNP rs745478632, ClinGen allele CA5202764.
Genomic context (GRCh38, chr9:114,288,726, plus strand): 5'-GGTGGCCCAAATTTTGCTGTTGTCTTTGTCATTCAGGGCCCTGTGGGTGATCGAGGAGAC[C>T]GCGGGGAACCGGGAGACCCTGGGTACCCTGTAAGTATCAGAGCTCCTACCTGCTGGCAGG-3'
Protein context (NP_116277.2, residues 1347-1367): DRGPVGDRGD[Arg1357Cys]GEPGDPGYPG